The following is an entry in ClinVar:

ClinVar aggregate classification (germline): Conflicting classifications of pathogenicity. Review status: criteria provided, conflicting classifications (1 of 4 stars). 3 submissions from 3 submitters: Uncertain significance (1); Likely benign (2). Last evaluated 2024-09-15.

Conditions:
Hereditary cancer-predisposing syndrome. Also called: Hereditary Cancer Syndrome; Hereditary neoplastic syndrome; Tumor predisposition; Neoplastic Syndromes, Hereditary. Identifiers: Orphanet 140162, MedGen C0027672, MeSH D009386, MONDO:0015356.
Multiple endocrine neoplasia, type 1 (MEN1). Also called: MEN I; WERMER SYNDROME; Endocrine adenomatosis multiple; MEN 1; MEA I. Identifiers: Orphanet 652, MedGen C0025267, MeSH D018761, MONDO:0007540, OMIM 131100.

Allele frequency attached by ClinVar (database versions not stated): gnomAD exomes 0.00001; ExAC 0.00002.
gnomAD v4.1: 5 of 1,614,194 alleles (0.00031%); highest among the groups gnomAD compares: Middle Eastern, 0.016%; no homozygotes.

Submissions (3):

Labcorp Genetics (formerly Invitae), Labcorp
Classification: Likely benign for Multiple endocrine neoplasia, type 1. Last evaluated: 2024-09-15. Review status: criteria provided, single submitter. Criteria: Invitae Variant Classification Sherloc (09022015). Collection method: clinical testing. Allele origin: germline.

All of Us Research Program, National Institutes of Health
Classification: Uncertain significance for Multiple endocrine neoplasia, type 1. Last evaluated: 2023-02-24. Review status: criteria provided, single submitter. Criteria: ACMG Guidelines, 2015. Collection method: clinical testing. Allele origin: germline. Inheritance: Autosomal dominant inheritance. Observed: 1 variant allele, 1 heterozygote.
Comment: This variant is located in the MEN1 protein. To our knowledge, functional studies have not been reported for this variant. This variant has not been reported in individuals affected with MEN1-related disorders in the literature. This variant has been identified in 2/251438 chromosomes in the general population by the Genome Aggregation Database (gnomAD). The available evidence is insufficient to determine the role of this variant in disease conclusively. Therefore, this variant is classified as a Variant of Uncertain Significance.

This study involves interpretation of variants in research participants for the purpose of population health screening. Participant phenotype was not available at the time of variant classification. Additional details can be found in publication PMID: 35346344, PMCID: PMC8962531

Ambry Genetics
Classification: Likely benign for Hereditary cancer-predisposing syndrome. Last evaluated: 2019-02-25. Review status: criteria provided, single submitter. Criteria: Ambry Variant Classification Scheme 2023. Collection method: clinical testing. Allele origin: germline.

NM_001370259.2(MEN1):c.1749G>C (p.Ser583=)

Gene: MEN1 (menin 1; minus strand). Cytogenetic location: 11q13.1.
Variant type: single nucleotide variant.
Coding change: c.1749G>C on transcript NM_001370259.2 (MANE Select); coding-DNA position 1749, G replaced by C.
Protein change: p.Ser583=; no amino-acid change (serine 583 retained).
Molecular consequence: synonymous variant.
Genome position (GRCh38, 1-based): chr11:64,804,418, C>G on the plus strand (G>C on the coding strand, the complement: MEN1 is on the minus strand). VCF-style: chr11-64804418-C-G. GRCh37 (hg19) VCF-style: chr11-64571890-C-G.
Other names: c.1749G>C, p.Ser583= (NM_001370261.2, NM_130799.3, NM_001370260.2); c.1644G>C, p.Ser548= (NM_001370262.2, NM_001370263.2); c.1764G>C, p.Ser588= (NM_130800.3, NM_130801.3, NM_130802.3 and 3 more transcripts); c.1875G>C, p.Ser625= (NM_001370251.2).
Identifiers: ClinVar variation 457312 (VCV000457312.15), dbSNP rs765105348, ClinGen allele CA060934.